The following is an entry in ClinVar:

NM_006415.4(SPTLC1):c.656G>A (p.Arg219Gln)

Gene: SPTLC1 (serine palmitoyltransferase long chain base subunit 1; minus strand). Cytogenetic location: 9q22.31.
Variant type: single nucleotide variant.
Coding change: c.656G>A on transcript NM_006415.4 (MANE Select); coding-DNA position 656, G replaced by A.
Protein change: p.Arg219Gln; replaces arginine 219 with glutamine.
Molecular consequence: missense variant.
Genome position (GRCh38, 1-based): chr9:92,059,213, C>T on the plus strand (G>A on the coding strand, the complement: SPTLC1 is on the minus strand). VCF-style: chr9-92059213-C-T. GRCh37 (hg19) VCF-style: chr9-94821495-C-T.
Other names: c.656G>A, p.Arg219Gln (NM_001281303.2); c.290G>A, p.Arg97Gln (NM_001368272.1); c.191G>A, p.Arg64Gln (NM_001368273.1); c.656G>A (NM_006415.3); short protein forms R219Q, R64Q, R97Q.
Identifiers: ClinVar variation 1194656 (VCV001194656.30), dbSNP rs373991190, ClinGen allele CA5121485.
Genomic context (GRCh38, chr9:92,059,213, plus strand): 5'-TATAATTTTCTTCAAAAGAATCATACCTTTTGATCTTCGATCTCTTGTTCTTTTAGTAGT[C>T]GCTCGAGGTCAGCCATGTCATTATGCTTAAATAACTTAATGTCACTACGGGATGCCTGTA-3'
Protein context (NP_006406.1, residues 209-229): FKHNDMADLE[Arg219Gln]LLKEQEIEDQ

ClinVar aggregate classification (germline): Uncertain significance. Review status: criteria provided, multiple submitters, no conflicts (2 of 4 stars). 5 submissions from 5 submitters: Uncertain significance (5). Last evaluated 2026-05-22.

Conditions:
Inborn genetic diseases. Identifiers: MedGen C0950123, MeSH D030342.
Hereditary sensory and autonomic neuropathy type 1 (HSAN1). Also called: HSAN 1; HSN Type I; Hereditary Sensory Neuropathy Type I. Identifiers: Orphanet 36386, MedGen C0020071, MONDO:0018213.
SPTLC1-related disorder. Also called: SPTLC1-related condition.

Allele frequency attached by ClinVar (database versions not stated): gnomAD 0.00002; ESP Exome Variant Server 0.00008; TOPMed 0.00001; gnomAD exomes 0.00001; ExAC 0.00002.
gnomAD v4.1: 22 of 1,613,774 alleles (0.0014%); highest among the groups gnomAD compares: Middle Eastern, 0.016%; no homozygotes.

Submissions (5):

PreventionGenetics, part of Exact Sciences
Classification: Uncertain significance for SPTLC1-related condition. Last evaluated: 2026-05-22. Review status: criteria provided, single submitter. Criteria: ACMG Guidelines, 2015. Collection method: clinical testing. Allele origin: germline.
Comment: The SPTLC1 c.656G>A variant is predicted to result in the amino acid substitution p.Arg219Gln. To our knowledge, this variant has not been reported in the literature. This variant is reported in 0.0018% of alleles in individuals of European (Non-Finnish) descent in gnomAD. At this time, the clinical significance of this variant is uncertain due to the absence of conclusive functional and genetic evidence.

Ambry Genetics
Classification: Uncertain significance for Inborn genetic diseases. Last evaluated: 2025-10-02. Review status: criteria provided, single submitter. Criteria: Ambry Variant Classification Scheme 2023. Collection method: clinical testing. Allele origin: germline.

CeGaT Center for Human Genetics Tuebingen
Classification: Uncertain significance. Last evaluated: 2024-03-01. Review status: criteria provided, single submitter. Criteria: CeGaT Center For Human Genetics Tuebingen Variant Classification Criteria Version 2. Collection method: clinical testing. Allele origin: germline. Affected: yes. Observed: 1 variant allele.
Comment: SPTLC1: PM2:Supporting

Labcorp Genetics (formerly Invitae), Labcorp
Classification: Uncertain significance for Hereditary sensory and autonomic neuropathy type 1. Last evaluated: 2023-09-14. Review status: criteria provided, single submitter. Criteria: Invitae Variant Classification Sherloc (09022015). Collection method: clinical testing. Allele origin: germline.
Comment: Advanced modeling of protein sequence and biophysical properties (such as structural, functional, and spatial information, amino acid conservation, physicochemical variation, residue mobility, and thermodynamic stability) performed at Invitae indicates that this missense variant is not expected to disrupt SPTLC1 protein function. In summary, the available evidence is currently insufficient to determine the role of this variant in disease. Therefore, it has been classified as a Variant of Uncertain Significance. This sequence change replaces arginine, which is basic and polar, with glutamine, which is neutral and polar, at codon 219 of the SPTLC1 protein (p.Arg219Gln). This variant is present in population databases (rs373991190, gnomAD 0.002%). This variant has not been reported in the literature in individuals affected with SPTLC1-related conditions. ClinVar contains an entry for this variant (Variation ID: 1194656).

GeneDx
Classification: Uncertain significance. Last evaluated: 2021-04-05. Review status: criteria provided, single submitter. Criteria: GeneDx Variant Classification Process June 2021. Collection method: clinical testing. Allele origin: germline. Affected: yes.
Comment: Not observed at a significant frequency in large population cohorts (Lek et al., 2016); In silico analysis supports that this missense variant does not alter protein structure/function; Has not been previously published as pathogenic or benign to our knowledge